The following is an entry in ClinVar:

NM_001453.3(FOXC1):c.1631G>A (p.Gly544Glu)

Gene: FOXC1 (forkhead box C1; plus strand). Cytogenetic location: 6p25.3.
Variant type: single nucleotide variant.
Coding change: c.1631G>A on transcript NM_001453.3 (MANE Select); coding-DNA position 1631, G replaced by A.
Protein change: p.Gly544Glu; replaces glycine 544 with glutamic acid.
Molecular consequence: missense variant.
Genome position (GRCh38, 1-based): chr6:1,612,076, G>A. VCF-style: chr6-1612076-G-A. GRCh37 (hg19) VCF-style: chr6-1612311-G-A.
Other names: short protein forms G544E.
Identifiers: ClinVar variation 2121408 (VCV002121408.4), dbSNP rs2480508088, ClinGen allele CA362561340.

ClinVar aggregate classification (germline): Uncertain significance (1 of 4 stars; one submission).

Conditions:
Axenfeld-Rieger syndrome type 3 (RIEG3). Also called: AXENFELD-RIEGER ANOMALY WITH CARDIAC DEFECTS AND/OR SENSORINEURAL HEARING LOSS. Identifiers: Orphanet 782, MedGen C2678503, MONDO:0011233, OMIM 602482.

Allele frequency attached by ClinVar (database versions not stated): gnomAD exomes below 0.00001.
gnomAD v4.1: 1 of 1,613,944 alleles (0.000062%); highest among the groups gnomAD compares: Non-Finnish European, 0.000085%; no homozygotes.

Submission:

Labcorp Genetics (formerly Invitae), Labcorp
Classification: Uncertain significance for Axenfeld-Rieger syndrome type 3. Last evaluated: 2024-10-24. Review status: criteria provided, single submitter. Criteria: Invitae Variant Classification Sherloc (09022015). Collection method: clinical testing. Allele origin: germline.
Comment: This sequence change replaces glycine, which is neutral and non-polar, with glutamic acid, which is acidic and polar, at codon 544 of the FOXC1 protein (p.Gly544Glu). This variant is not present in population databases (gnomAD no frequency). This variant has not been reported in the literature in individuals affected with FOXC1-related conditions. ClinVar contains an entry for this variant (Variation ID: 2121408). An algorithm developed to predict the effect of missense changes on protein structure and function (PolyPhen-2) suggests that this variant is likely to be disruptive. In summary, the available evidence is currently insufficient to determine the role of this variant in disease. Therefore, it has been classified as a Variant of Uncertain Significance.